The following is an entry in ClinVar:

NM_002693.3(POLG):c.2427-18C>A

Genes: POLG (DNA polymerase gamma, catalytic subunit; minus strand), POLGARF (POLG alternative reading frame; minus strand). Cytogenetic location: 15q26.1.
Variant type: single nucleotide variant.
Coding change: c.2427-18C>A on transcript NM_002693.3 (MANE Select); 18 bases into the intron before coding-DNA position 2427, C replaced by A.
Molecular consequence: intron variant.
Genome position (GRCh38, 1-based): chr15:89,322,033, G>T on the plus strand (C>A on the coding strand, the complement: POLG is on the minus strand). VCF-style: chr15-89322033-G-T. GRCh37 (hg19) VCF-style: chr15-89865264-G-T.
Other names: c.2427-18C>A (NM_001126131.2).
Identifiers: ClinVar variation 385273 (VCV000385273.1), dbSNP rs762498573, ClinGen allele CA16607065.

ClinVar aggregate classification (germline): Likely benign (1 of 4 stars; one submission).

Submission:

GeneDx
Classification: Likely benign. Last evaluated: 2016-04-11. Review status: criteria provided, single submitter. Criteria: GeneDx Variant Classification (06012015). Collection method: clinical testing. Allele origin: germline. Affected: yes.
Comment: This variant is considered likely benign or benign based on one or more of the following criteria: it is a conservative change, it occurs at a poorly conserved position in the protein, it is predicted to be benign by multiple in silico algorithms, and/or has population frequency not consistent with disease.